The following is an entry in ClinVar:

NM_017849.4(TMEM127):c.676G>C (p.Val226Leu)

Gene: TMEM127 (transmembrane protein 127; minus strand). Cytogenetic location: 2q11.2.
Variant type: single nucleotide variant.
Coding change: c.676G>C on transcript NM_017849.4 (MANE Select); coding-DNA position 676, G replaced by C.
Protein change: p.Val226Leu; replaces valine 226 with leucine.
Molecular consequence: missense variant.
Genome position (GRCh38, 1-based): chr2:96,253,849, C>G on the plus strand (G>C on the coding strand, the complement: TMEM127 is on the minus strand). VCF-style: chr2-96253849-C-G. GRCh37 (hg19) VCF-style: chr2-96919587-C-G.
Other names: c.676G>C, p.Val226Leu (NM_001193304.3); c.424G>C, p.Val142Leu (NM_001407282.1, NM_001407283.1); short protein forms V142L, V226L.
Identifiers: ClinVar variation 3227093 (VCV003227093.2), dbSNP rs2104282831, ClinGen allele CA347651261.
Genomic context (GRCh38, chr2:96,253,849, plus strand): 5'-AGAGAGCCCAGGGCTGGCATTAGGGTGTGTAAGCAGGGGGTGGCTGGAACTGGTTGATGA[C>G]CTCATATTCCGCCGGGTAGGGCTCGTTCTCTTCCATCTCTGAGAGCAGCTCCAGCGCCTG-3'
Protein context (NP_060319.1, residues 216-236): ENEPYPAEYE[Val226Leu]INQFQPPPAY

ClinVar aggregate classification (germline): Uncertain significance (1 of 4 stars; one submission).

Conditions:
Hereditary cancer-predisposing syndrome. Also called: Neoplastic Syndromes, Hereditary; Tumor predisposition; Hereditary neoplastic syndrome; Hereditary Cancer Syndrome. Identifiers: Orphanet 140162, MedGen C0027672, MeSH D009386, MONDO:0015356.

Submission:

Ambry Genetics
Classification: Uncertain significance for Hereditary cancer-predisposing syndrome. Last evaluated: 2025-12-10. Review status: criteria provided, single submitter. Criteria: Ambry Variant Classification Scheme 2023. Collection method: clinical testing. Allele origin: germline.
Comment: The p.V226L variant (also known as c.676G>C), located in coding exon 3 of the TMEM127 gene, results from a G to C substitution at nucleotide position 676. The valine at codon 226 is replaced by leucine, an amino acid with highly similar properties. This amino acid position is conserved. In addition, the in silico prediction for this alteration is inconclusive. Since supporting evidence is limited at this time, the clinical significance of this alteration remains unclear.